The following is an entry in ClinVar:

ClinVar aggregate classification (germline): Uncertain significance (1 of 4 stars; one submission).

Conditions:
Progressive familial heart block type IB (PFHB1B). Identifiers: Orphanet 871, MedGen C1970298, MONDO:0011474, OMIM 604559.

Submission:

Labcorp Genetics (formerly Invitae), Labcorp
Classification: Uncertain significance for Progressive familial heart block type IB. Last evaluated: 2024-06-08. Review status: criteria provided, single submitter. Criteria: Invitae Variant Classification Sherloc (09022015). Collection method: clinical testing. Allele origin: germline.
Comment: This sequence change replaces arginine, which is basic and polar, with glutamine, which is neutral and polar, at codon 421 of the TRPM4 protein (p.Arg421Gln). This variant is not present in population databases (gnomAD no frequency). This variant has not been reported in the literature in individuals affected with TRPM4-related conditions. An algorithm developed to predict the effect of missense changes on protein structure and function (PolyPhen-2) suggests that this variant is likely to be tolerated. In summary, the available evidence is currently insufficient to determine the role of this variant in disease. Therefore, it has been classified as a Variant of Uncertain Significance.

NM_017636.4(TRPM4):c.1262G>A (p.Arg421Gln)

Gene: TRPM4 (transient receptor potential cation channel subfamily M member 4; plus strand). Cytogenetic location: 19q13.33.
Variant type: single nucleotide variant.
Coding change: c.1262G>A on transcript NM_017636.4 (MANE Select); coding-DNA position 1262, G replaced by A.
Protein change: p.Arg421Gln; replaces arginine 421 with glutamine.
Molecular consequence: missense variant. On other transcripts: 5 prime UTR variant (1), intron variant (1).
Genome position (GRCh38, 1-based): chr19:49,181,460, G>A. VCF-style: chr19-49181460-G-A. GRCh37 (hg19) VCF-style: chr19-49684717-G-A.
Other names: c.1262G>A, p.Arg421Gln (NM_001195227.2); c.917G>A, p.Arg306Gln (NM_001321281.2); c.-292G>A (NM_001321282.2); c.740G>A, p.Arg247Gln (NM_001321283.2); c.202-1118G>A (NM_001321285.2); short protein forms R247Q, R306Q, R421Q.
Identifiers: ClinVar variation 3665663 (VCV003665663.2).